The following is an entry in ClinVar:

ClinVar aggregate classification (germline): Uncertain significance (1 of 4 stars; one submission).

Submission:

GeneDx
Classification: Uncertain significance. Last evaluated: 2024-10-11. Review status: criteria provided, single submitter. Criteria: GeneDx Variant Classification Process June 2021. Collection method: clinical testing. Allele origin: germline. Affected: yes.
Comment: Not observed at significant frequency in large population cohorts (gnomAD); In silico analysis indicates that this missense variant does not alter protein structure/function; Has not been previously published as pathogenic or benign to our knowledge

NM_001077653.2(TBX20):c.122C>T (p.Pro41Leu)

Gene: TBX20 (T-box transcription factor 20; minus strand). Cytogenetic location: 7p14.2.
Variant type: single nucleotide variant.
Coding change: c.122C>T on transcript NM_001077653.2 (MANE Select); coding-DNA position 122, C replaced by T.
Protein change: p.Pro41Leu; replaces proline 41 with leucine.
Molecular consequence: missense variant.
Genome position (GRCh38, 1-based): chr7:35,253,499, G>A on the plus strand (C>T on the coding strand, the complement: TBX20 is on the minus strand). VCF-style: chr7-35253499-G-A. GRCh37 (hg19) VCF-style: chr7-35293110-G-A.
Other names: c.122C>T, p.Pro41Leu (NM_001166220.1); short protein forms P41L.
Identifiers: ClinVar variation 3777531 (VCV003777531.1).